The following is an entry in ClinVar:

NM_003441.4(ZNF141):c.212T>C (p.Val71Ala)

Gene: ZNF141 (zinc finger protein 141; plus strand). Cytogenetic location: 4p16.3.
Variant type: single nucleotide variant.
Coding change: c.212T>C on transcript NM_003441.4 (MANE Select); coding-DNA position 212, T replaced by C.
Protein change: p.Val71Ala; replaces valine 71 with alanine.
Molecular consequence: missense variant. On other transcripts: intron variant (1).
Genome position (GRCh38, 1-based): chr4:344,416, T>C. VCF-style: chr4-344416-T-C. GRCh37 (hg19) VCF-style: chr4-338205-T-C.
Other names: c.212T>C, p.Val71Ala (NM_001348278.2, NM_001348279.2, NM_001348280.2); c.-3+6430T>C (NM_001348277.2); short protein forms V71A.
Identifiers: ClinVar variation 3059629 (VCV003059629.3), dbSNP rs80052234, ClinGen allele CA2791599.
Genomic context (GRCh38, chr4:344,416, plus strand): 5'-ACCTGGTCACCTGTCTGGAGCAAAGAAAAGAGCCCTACAATGTGAAGATACATAAGATCG[T>C]AGCCAGACCCCCAGGTAGGTGAGAGTGAATGGAGGAGAGGGCACAGGCAAGGGGACCAAA-3'
Protein context (NP_003432.1, residues 61-81): EPYNVKIHKI[Val71Ala]ARPPAMCSHF

ClinVar aggregate classification (germline): Likely benign. Review status: criteria provided, single submitter (1 of 4 stars). 2 submissions from 2 submitters: Likely benign (1). 1 of the submissions does not count toward it. Last evaluated 2024-11-26.

Conditions:
ZNF141-related disorder. Also called: ZNF141-related condition.

Allele frequency attached by ClinVar (database versions not stated): ExAC 0.00084.

Submissions (2):

Blueprint Genetics
Classification: Likely benign. Last evaluated: 2024-11-26. Review status: criteria provided, single submitter. Criteria: ACMG Guidelines, 2015. Collection method: clinical testing. Allele origin: germline.

PreventionGenetics, part of Exact Sciences
Classification: Benign for ZNF141-related condition. Last evaluated: 2020-04-21. Review status: no assertion criteria provided. Collection method: clinical testing. Allele origin: germline. Not counted in ClinVar's aggregate classification.
Comment: This variant is classified as benign based on ACMG/AMP sequence variant interpretation guidelines (Richards et al. 2015 PMID: 25741868, with internal and published modifications).